The following is an entry in ClinVar:

NM_001260.3(CDK8):c.144C>T (p.Asp48=)

Gene: CDK8 (cyclin dependent kinase 8; plus strand). Cytogenetic location: 13q12.13.
Variant type: single nucleotide variant.
Coding change: c.144C>T on transcript NM_001260.3 (MANE Select); coding-DNA position 144, C replaced by T.
Protein change: p.Asp48=; no amino-acid change (aspartic acid 48 retained).
Molecular consequence: synonymous variant. On other transcripts: 5 prime UTR variant (1).
Genome position (GRCh38, 1-based): chr13:26,337,582, C>T. VCF-style: chr13-26337582-C-T. GRCh37 (hg19) VCF-style: chr13-26911719-C-T.
Other names: c.144C>T, p.Asp48= (NM_001318368.2); c.-318C>T (NM_001346501.2).
Identifiers: ClinVar variation 4681390 (VCV004681390.5).

ClinVar aggregate classification (germline): Likely benign (1 of 4 stars; one submission).

gnomAD v4.1: 5 of 1,449,056 alleles (0.00035%); highest among the groups gnomAD compares: Middle Eastern, 0.037%; no homozygotes.

Submission:

CeGaT Center for Human Genetics Tuebingen
Classification: Likely benign. Last evaluated: 2025-12-01. Review status: criteria provided, single submitter. Criteria: CeGaT Center For Human Genetics Tuebingen Variant Classification Criteria Version 2. Collection method: clinical testing. Allele origin: germline. Affected: yes. Observed: 1 variant allele.
Comment: CDK8: BP4, BP7